The following is an entry in ClinVar:

ClinVar aggregate classification (germline): Uncertain significance (1 of 4 stars; one submission).

Conditions:
Cardiomyopathy (CMYO). Also called: Cardiomyopathies. Identifiers: Orphanet 167848, MedGen C0878544, MONDO:0004994, HP:0001638. Inheritance: Various modes of inheritance.

Submission:

Color Diagnostics, LLC DBA Color Health
Classification: Uncertain significance for Cardiomyopathy. Last evaluated: 2025-06-30. Review status: criteria provided, single submitter. Criteria: ACMG Guidelines, 2015. Collection method: clinical testing. Allele origin: germline.
Comment: This missense variant replaces arginine with threonine at codon 845 of the MYH7 protein. To our knowledge, functional studies have not been reported for this variant. This variant has not been reported in individuals affected with MYH7-related disorders in the literature. This variant has not been identified in the general population by the Genome Aggregation Database (gnomAD). The available evidence is insufficient to determine the role of this variant in disease conclusively. Therefore, this variant is classified as a Variant of Uncertain Significance.

NM_000257.4(MYH7):c.2532_2535delinsGACG (p.Arg845Thr)

Genes: MYH7 (myosin heavy chain 7; minus strand), LOC126861898 (BRD4-independent group 4 enhancer GRCh37_chr14:23893609-23894808; plus strand). Cytogenetic location: 14q11.2.
Variant type: Indel.
Coding change: c.2532_2535delinsGACG on transcript NM_000257.4 (MANE Select); coding-DNA positions 2532 to 2535, AAGA replaced by GACG.
Protein change: p.Arg845Thr; replaces arginine 845 with threonine.
Molecular consequence: missense variant.
Genome position (GRCh38, 1-based): chr14:23,424,913-23,424,916, TCTT replaced by CGTC on the plus strand (AAGA replaced by GACG on the coding strand, the reverse complement: MYH7 is on the minus strand). VCF-style: chr14-23424913-TCTT-CGTC. GRCh37 (hg19) VCF-style: chr14-23894122-TCTT-CGTC.
Other names: c.2532_2535delinsGACG, p.Arg845Thr (NM_001407004.1); short protein forms R845T.
Identifiers: ClinVar variation 4757403 (VCV004757403.1).
Genomic context (GRCh38, chr14:23,424,913, plus strand): 5'-CTTCTCTAGCGCCTCTTTGAGGCGTGTGAACTCCTCCTTCATGGAGGCCATCTCCTTCTC[TCTT>CGTC]TCTGCACTCTTCAGCAGCGGCTTGATCTTGAAGTAGAGCTTCATCCAGGGCCAATTCTTG-3'
Protein context (NP_000248.2, residues 835-855): KIKPLLKSAE[Arg845Thr]EKEMASMKEE